The following is an entry in ClinVar:

ClinVar aggregate classification (germline): Likely benign. Review status: criteria provided, multiple submitters, no conflicts (2 of 4 stars). 2 submissions from 2 submitters: Likely benign (2). Last evaluated 2026-08-01.

gnomAD v4.1: 331 of 1,593,494 alleles (0.021%); highest among the groups gnomAD compares: African/African-American, 0.37%; no homozygotes.

Submissions (2):

CeGaT Center for Human Genetics Tuebingen
Classification: Likely benign. Last evaluated: 2026-08-01. Review status: criteria provided, single submitter. Criteria: CeGaT Center For Human Genetics Tuebingen Variant Classification Criteria Version 2. Collection method: clinical testing. Allele origin: germline. Affected: yes. Observed: 1 variant allele.
Comment: PRKAR1B: BP4, BP7

Blueprint Genetics
Classification: Likely benign. Last evaluated: 2024-07-01. Review status: criteria provided, single submitter. Criteria: ACMG Guidelines, 2015. Collection method: clinical testing. Allele origin: germline.

NM_001164760.2(PRKAR1B):c.1002C>A (p.Pro334=)

Gene: PRKAR1B (protein kinase cAMP-dependent type I regulatory subunit beta; minus strand). Cytogenetic location: 7p22.3.
Variant type: single nucleotide variant.
Coding change: c.1002C>A on transcript NM_001164760.2 (MANE Select); coding-DNA position 1002, C replaced by A.
Protein change: p.Pro334=; no amino-acid change (proline 334 retained).
Molecular consequence: synonymous variant.
Genome position (GRCh38, 1-based): chr7:550,574, G>T on the plus strand (C>A on the coding strand, the complement: PRKAR1B is on the minus strand). VCF-style: chr7-550574-G-T. GRCh37 (hg19) VCF-style: chr7-590211-G-T.
Other names: c.1002C>A, p.Pro334= (NM_002735.3, NM_001164758.2, NM_001164759.1 and 2 more transcripts).
Identifiers: ClinVar variation 4894893 (VCV004894893.2).
Genomic context (GRCh38, chr7:550,574, plus strand): 5'-GCGGGGCCGGTCCAGCTTCACACACTTGAGGGGCCCCCGGGCCACGACAGTGGCCGCCCG[G>T]GGCCGGTTCAGCAGCAGTGCAATCTCCCCTGGGGGTTGAAGAGAGAGGTCAGGGCTGGGC-3'
Protein context (NP_001158232.1, residues 324-344): FGEIALLLNR[Pro334=]RAATVVARGP